The following is an entry in ClinVar:

ClinVar aggregate classification (germline): Uncertain significance (1 of 4 stars; one submission).

Conditions:
Aicardi-Goutieres syndrome 7 (AGS7). Identifiers: Orphanet 51, MedGen C3888244, MONDO:0014367, OMIM 615846.
Singleton-Merten syndrome 1 (SGMRT1). Also called: Widened medullary cavities of bone, aortic calcification, abnormal dentition, and muscular weakness; Syndrome of widened medullary cavities of the metacarpals and phalanges, aortic calcification and abnormal dentition. Identifiers: Orphanet 85191, MedGen C4225427, MONDO:0024535, OMIM 182250.

Submission:

Labcorp Genetics (formerly Invitae), Labcorp
Classification: Uncertain significance for Aicardi-Goutieres syndrome 7; Singleton-Merten syndrome 1. Last evaluated: 2019-05-18. Review status: criteria provided, single submitter. Criteria: Invitae Variant Classification Sherloc (09022015). Collection method: clinical testing. Allele origin: germline.
Comment: This variant is not present in population databases (ExAC no frequency). This sequence change replaces lysine with isoleucine at codon 908 of the IFIH1 protein (p.Lys908Ile). The lysine residue is moderately conserved and there is a moderate physicochemical difference between lysine and isoleucine. This variant has not been reported in the literature in individuals with IFIH1-related conditions. In summary, the available evidence is currently insufficient to determine the role of this variant in disease. Therefore, it has been classified as a Variant of Uncertain Significance. Algorithms developed to predict the effect of missense changes on protein structure and function are either unavailable or do not agree on the potential impact of this missense change (SIFT: "Deleterious"; PolyPhen-2: "Possibly Damaging"; Align-GVGD: "Class C0").

NM_022168.4(IFIH1):c.2723A>T (p.Lys908Ile)

Gene: IFIH1 (interferon induced with helicase C domain 1; minus strand). Cytogenetic location: 2q24.2.
Variant type: single nucleotide variant.
Coding change: c.2723A>T on transcript NM_022168.4 (MANE Select); coding-DNA position 2723, A replaced by T.
Protein change: p.Lys908Ile; replaces lysine 908 with isoleucine.
Molecular consequence: missense variant.
Genome position (GRCh38, 1-based): chr2:162,268,171, T>A on the plus strand (A>T on the coding strand, the complement: IFIH1 is on the minus strand). VCF-style: chr2-162268171-T-A. GRCh37 (hg19) VCF-style: chr2-163124681-T-A.
Other names: short protein forms K908I.
Identifiers: ClinVar variation 947936 (VCV000947936.8), dbSNP rs1690962335, ClinGen allele CA348991136.